The following is an entry in ClinVar:

NM_000532.5(PCCB):c.1401C>T (p.Gly467=)

Gene: PCCB (propionyl-CoA carboxylase subunit beta; plus strand). Cytogenetic location: 3q22.3.
Variant type: single nucleotide variant.
Coding change: c.1401C>T on transcript NM_000532.5 (MANE Select); coding-DNA position 1401, C replaced by T.
Protein change: p.Gly467=; no amino-acid change (glycine 467 retained).
Molecular consequence: synonymous variant.
Genome position (GRCh38, 1-based): chr3:136,328,760, C>T. VCF-style: chr3-136328760-C-T. GRCh37 (hg19) VCF-style: chr3-136047602-C-T.
Other names: c.1461C>T, p.Gly487= (NM_001178014.2).
Identifiers: ClinVar variation 760403 (VCV000760403.10), dbSNP rs142915585, ClinGen allele CA2632182.

ClinVar aggregate classification (germline): Likely benign. Review status: criteria provided, multiple submitters, no conflicts (2 of 4 stars). 2 submissions from 2 submitters: Likely benign (2). Last evaluated 2026-07-24.

Conditions:
Propionic acidemia (PROP). Also called: HYPERGLYCINEMIA WITH KETOACIDOSIS AND LEUKOPENIA; KETOTIC HYPERGLYCINEMIA; GLYCINEMIA, KETOTIC. Identifiers: Orphanet 35, MedGen C0268579, MONDO:0011628, OMIM 606054, HP:0003571.
PCCB-related disorder. Also called: PCCB-related condition.

Allele frequency attached by ClinVar (database versions not stated): gnomAD exomes below 0.00001; ExAC 0.00001; gnomAD 0.00001; TOPMed 0.00002.
gnomAD v4.1: 8 of 1,612,802 alleles (0.0005%); highest among the groups gnomAD compares: African/African-American, 0.0067%; no homozygotes.

Submissions (2):

PreventionGenetics, part of Exact Sciences
Classification: Likely benign for PCCB-related condition. Last evaluated: 2026-07-24. Review status: criteria provided, single submitter. Criteria: ACMG Guidelines, 2015. Collection method: clinical testing. Allele origin: germline.
Comment: This variant is classified as likely benign based on ACMG/AMP sequence variant interpretation guidelines (Richards et al. 2015 PMID: 25741868, with internal and published modifications).

Labcorp Genetics (formerly Invitae), Labcorp
Classification: Likely benign for Propionic acidemia. Last evaluated: 2025-07-21. Review status: criteria provided, single submitter. Criteria: Invitae Variant Classification Sherloc (09022015). Collection method: clinical testing. Allele origin: germline.